The following is an entry in ClinVar:

NM_001875.5(CPS1):c.3169G>T (p.Gly1057Ter)

Gene: CPS1 (carbamoyl-phosphate synthase 1; plus strand). Cytogenetic location: 2q34.
Variant type: single nucleotide variant.
Coding change: c.3169G>T on transcript NM_001875.5 (MANE Select); coding-DNA position 3169, G replaced by T.
Protein change: p.Gly1057Ter; replaces glycine 1057 with a stop codon.
Molecular consequence: nonsense. On other transcripts: non-coding transcript variant (2).
Genome position (GRCh38, 1-based): chr2:210,647,890, G>T. VCF-style: chr2-210647890-G-T. GRCh37 (hg19) VCF-style: chr2-211512614-G-T.
Other names: c.3169G>T, p.Gly1057Ter (NM_001122633.3, NM_001369257.1); c.3202G>T, p.Gly1068Ter (NM_001369256.1); short protein forms G1057*, G1068*.
Identifiers: ClinVar variation 1725322 (VCV001725322.2), dbSNP rs2469292614, ClinGen allele CA350435598.
Genomic context (GRCh38, chr2:210,647,890, plus strand): 5'-TCCAATGGCTGATATTGTGAGTGTATTTTCCAGGCATGTGGTGGCTGCATCATATCAGTT[G>T]GAGGCCAGATTCCAAACAACCTGGCAGTTCCTCTATACAAGAATGGTGTCAAGATCATGG-3'

ClinVar aggregate classification (germline): Likely pathogenic (1 of 4 stars; one submission).

Conditions:
Congenital hyperammonemia, type I. Also called: Carbamoyl phosphate synthetase 1 deficiency; Hyperammonemia due to carbamoyl phosphate synthetase 1 deficiency; CPS 1 deficiency; Carbamyl phosphate synthetase (CPS) deficiency; CPS I DEFICIENCY; Carbamoyl-phosphate synthase I deficiency. Identifiers: Orphanet 147, MedGen C4082171, MONDO:0009376, OMIM 237300.

Submission:

Myriad Genetics, Inc.
Classification: Likely pathogenic for Congenital hyperammonemia, type I. Last evaluated: 2022-03-16. Review status: criteria provided, single submitter. Criteria: Myriad Women's Health Autosomal Recessive and X-Linked Classification Criteria (2021). Collection method: clinical testing. Allele origin: unknown.
Comment: NM_001875.4(CPS1):c.3169G>T(G1057*) is expected to be pathogenic in the context of carbamoylphosphate synthetase I deficiency. This variant is predicted to lead to an abnormal or absent protein product due to the creation of a premature termination codon in CPS1, a gene where loss-of-function variants are known to be pathogenic. Please note: this variant was assessed in the context of healthy population screening.